The following is an entry in ClinVar:

NM_002458.3(MUC5B):c.7665C>T (p.Thr2555=)

Genes: MUC5B (mucin 5B, oligomeric mucus/gel-forming; plus strand), MUC5B-AS1 (MUC5B antisense RNA 1; minus strand). Cytogenetic location: 11p15.5.
Variant type: single nucleotide variant.
Coding change: c.7665C>T on transcript NM_002458.3 (MANE Select); coding-DNA position 7665, C replaced by T.
Protein change: p.Thr2555=; no amino-acid change (threonine 2555 retained).
Molecular consequence: synonymous variant.
Genome position (GRCh38, 1-based): chr11:1,244,545, C>T. VCF-style: chr11-1244545-C-T. GRCh37 (hg19) VCF-style: chr11-1265775-C-T.
Identifiers: ClinVar variation 2641232 (VCV002641232.24), dbSNP rs1462201621, ClinGen allele CA472450120.
Genomic context (GRCh38, chr11:1,244,545, plus strand): 5'-CAGCTTTACAGCCATCCCCTCCTCCTCCCTGGGCACCACCTGGACCCGCCTATCACAGAC[C>T]ACCACACCCACGGCCACCATGTCCACAGCCACACCCTCCTCCACTCCAGAGACTGTCCAC-3'
Protein context (NP_002449.2, residues 2545-2565): LGTTWTRLSQ[Thr2555=]TTPTATMSTA

ClinVar aggregate classification (germline): Likely benign (1 of 4 stars; one submission).

Submission:

CeGaT Center for Human Genetics Tuebingen
Classification: Likely benign. Last evaluated: 2026-01-01. Review status: criteria provided, single submitter. Criteria: CeGaT Center For Human Genetics Tuebingen Variant Classification Criteria Version 2. Collection method: clinical testing. Allele origin: germline. Affected: yes. Observed: 7 variant alleles.
Comment: MUC5B: BP4, BP7